The following is an entry in ClinVar:

ClinVar aggregate classification (germline): Pathogenic (1 of 4 stars; one submission).

Submission:

Labcorp Genetics (formerly Invitae), Labcorp
Classification: Pathogenic. Last evaluated: 2025-03-26. Review status: criteria provided, single submitter. Criteria: Invitae Variant Classification Sherloc (09022015). Collection method: clinical testing. Allele origin: germline.
Comment: This sequence change creates a premature translational stop signal (p.Ser2034Profs*24) in the POLE gene. It is expected to result in an absent or disrupted protein product. Loss-of-function variants in POLE are known to be pathogenic (PMID: 23230001, 25948378, 30503519). This variant is not present in population databases (gnomAD no frequency). This variant has not been reported in the literature in individuals affected with POLE-related conditions. For these reasons, this variant has been classified as Pathogenic.

Literature cited by the submitters: PubMed 23230001; PubMed 25948378; PubMed 30503519.

NM_006231.4(POLE):c.6100_6101del (p.Ser2034fs)

Gene: POLE (DNA polymerase epsilon, catalytic subunit; minus strand). Cytogenetic location: 12q24.33.
Variant type: Microsatellite.
Coding change: c.6100_6101del on transcript NM_006231.4 (MANE Select); coding-DNA positions 6100 to 6101, 2 bases deleted (TC; older notation c.6100_6101delTC).
Protein change: p.Ser2034fs; shifts the reading frame from serine 2034.
Molecular consequence: frameshift variant.
Genome position (GRCh38, 1-based): chr12:132,632,699-132,632,700, GA deleted on the plus strand (TC on the coding strand, the reverse complement: POLE is on the minus strand); deleting any 2 consecutive bases within chr12:132,632,699-132,632,703 gives the same sequence; the c. name uses the placement nearest the transcript's 3' end. VCF-style (leftmost placement, unchanged base first): chr12-132632698-GGA-G. GRCh37 (hg19) VCF-style: chr12-133209284-GGA-G.
Other names: short protein forms S2034fs.
Identifiers: ClinVar variation 4715973 (VCV004715973.1).
Genomic context (GRCh38, chr12:132,632,698, plus strand): 5'-GCCTCAAAAGACAAAAGACTGCTCACCGGGAAGGGCTCCGACCGCCCCCTCGGCCTCCTG[GGA>G]GAGCTGGCTGGCCCCCCTCCTCCTCACGGGGGTGCTCCCTGGAGCACTGCGCCTCAGCCC-3'